The following is an entry in ClinVar:

ClinVar aggregate classification (germline): Pathogenic (1 of 4 stars; one submission).

Conditions:
Cranioectodermal dysplasia 1 (CED1). Also called: LEVIN SYNDROME I. Identifiers: Orphanet 1515, MedGen C0432235, MONDO:0021093, OMIM 218330.

Allele frequency attached by ClinVar (database versions not stated): gnomAD exomes 0.00001; gnomAD 0.00002; TOPMed 0.00002.
gnomAD v4.1: 23 of 1,613,888 alleles (0.0014%); highest among the groups gnomAD compares: Non-Finnish European, 0.0018%; no homozygotes.

Submission:

Labcorp Genetics (formerly Invitae), Labcorp
Classification: Pathogenic for Cranioectodermal dysplasia 1. Last evaluated: 2026-01-30. Review status: criteria provided, single submitter. Criteria: Invitae Variant Classification Sherloc (09022015). Collection method: clinical testing. Allele origin: germline.
Comment: This sequence change creates a premature translational stop signal (p.Arg941*) in the IFT122 gene. It is expected to result in an absent or disrupted protein product. Loss-of-function variants in IFT122 are known to be pathogenic (PMID: 20493458, 23826986, 26792575). This variant is present in population databases (no rsID available, gnomAD 0.003%). This variant has not been reported in the literature in individuals affected with IFT122-related conditions. ClinVar contains an entry for this variant (Variation ID: 1368335). For these reasons, this variant has been classified as Pathogenic.

Literature cited by the submitters: PubMed 20493458; PubMed 23826986; PubMed 26792575.

NM_052989.3(IFT122):c.2668C>T (p.Arg890Ter)

Gene: IFT122 (intraflagellar transport 122; plus strand). Cytogenetic location: 3q22.1.
Variant type: single nucleotide variant.
Coding change: c.2668C>T on transcript NM_052989.3 (MANE Select); coding-DNA position 2668, C replaced by T.
Protein change: p.Arg890Ter; replaces arginine 890 with a stop codon.
Molecular consequence: nonsense.
Genome position (GRCh38, 1-based): chr3:129,506,426, C>T. VCF-style: chr3-129506426-C-T. GRCh37 (hg19) VCF-style: chr3-129225269-C-T.
Other names: c.2644C>T, p.Arg882Ter (NM_001280541.2); c.2218C>T, p.Arg740Ter (NM_001280545.2); c.2041C>T, p.Arg681Ter (NM_001280546.2); c.2491C>T, p.Arg831Ter (NM_018262.4); c.2821C>T, p.Arg941Ter (NM_052985.4); c.2335C>T, p.Arg779Ter (NM_052990.3); short protein forms R779*, R890*, R740*, R882*, R941*, R831*, R681*.
Identifiers: ClinVar variation 1368335 (VCV001368335.6), dbSNP rs1039467525, ClinGen allele CA82628447.
Genomic context (GRCh38, chr3:129,506,426, plus strand): 5'-CTAAATAGCATGTGCTTTTTTCCTCCCTCCACCACTCCTACAGCGTTCCACAAGGCTGGG[C>T]GACAGAGAGAAGCGGTCCAGGTGCTGGAGCAGCTCACAAACAATGCCGTGGCGGAGAGCA-3'